The following is an entry in ClinVar:

NM_000368.5(TSC1):c.2196T>G (p.His732Gln)

Gene: TSC1 (TSC complex subunit 1; minus strand). Cytogenetic location: 9q34.13.
Variant type: single nucleotide variant.
Coding change: c.2196T>G on transcript NM_000368.5 (MANE Select); coding-DNA position 2196, T replaced by G.
Protein change: p.His732Gln; replaces histidine 732 with glutamine.
Molecular consequence: missense variant.
Genome position (GRCh38, 1-based): chr9:132,903,663, A>C on the plus strand (T>G on the coding strand, the complement: TSC1 is on the minus strand). VCF-style: chr9-132903663-A-C. GRCh37 (hg19) VCF-style: chr9-135779050-A-C.
Other names: c.2193T>G, p.His731Gln (NM_001162426.2, NM_001406608.1, NM_001406609.1 and 4 more transcripts); c.2043T>G, p.His681Gln (NM_001162427.2, NM_001406610.1); c.1833T>G, p.His611Gln (NM_001362177.2, NM_001406624.1, NM_001406614.1 and 5 more transcripts); c.2196T>G, p.His732Gln (NM_001406592.1, NM_001406605.1, NM_001406606.1 and 5 more transcripts); c.2178T>G, p.His726Gln (NM_001406603.1, NM_001406604.1); c.2040T>G, p.His680Gln (NM_001406611.1, NM_001406612.1, NM_001406613.1); c.1830T>G, p.His610Gln (NM_001406622.1, NM_001406623.1, NM_001406625.1 and 2 more transcripts); c.1245T>G, p.His415Gln (NM_001406626.1); and 3 more; short protein forms H381Q, H414Q, H415Q, H610Q, H611Q, H680Q, H681Q, H726Q.
Identifiers: ClinVar variation 1720644 (VCV001720644.5), dbSNP rs776441369, ClinGen allele CA375360618.

ClinVar aggregate classification (germline): Uncertain significance (1 of 4 stars; one submission).

Conditions:
Tuberous sclerosis 1 (TSC1). Identifiers: Orphanet 805, MedGen C1854465, MONDO:0008612, OMIM 191100.

Submission:

Labcorp Genetics (formerly Invitae), Labcorp
Classification: Uncertain significance for Tuberous sclerosis 1. Last evaluated: 2022-09-29. Review status: criteria provided, single submitter. Criteria: Invitae Variant Classification Sherloc (09022015). Collection method: clinical testing. Allele origin: germline.
Comment: In summary, the available evidence is currently insufficient to determine the role of this variant in disease. Therefore, it has been classified as a Variant of Uncertain Significance. Advanced modeling of protein sequence and biophysical properties (such as structural, functional, and spatial information, amino acid conservation, physicochemical variation, residue mobility, and thermodynamic stability) performed at Invitae indicates that this missense variant is not expected to disrupt TSC1 protein function. This variant has not been reported in the literature in individuals affected with TSC1-related conditions. This variant is not present in population databases (gnomAD no frequency). This sequence change replaces histidine, which is basic and polar, with glutamine, which is neutral and polar, at codon 732 of the TSC1 protein (p.His732Gln).